The following is an entry in ClinVar:

NM_001191057.4(PDE1C):c.778G>T (p.Ala260Ser)

Gene: PDE1C (phosphodiesterase 1C; minus strand). Cytogenetic location: 7p14.3.
Variant type: single nucleotide variant.
Coding change: c.778G>T on transcript NM_001191057.4 (MANE Select); coding-DNA position 778, G replaced by T.
Protein change: p.Ala260Ser; replaces alanine 260 with serine.
Molecular consequence: missense variant.
Genome position (GRCh38, 1-based): chr7:31,850,714, C>A on the plus strand (G>T on the coding strand, the complement: PDE1C is on the minus strand). VCF-style: chr7-31850714-C-A. GRCh37 (hg19) VCF-style: chr7-31890328-C-A.
Other names: PDE1C, ALA320SER (rs775633137); c.778G>T, p.Ala260Ser (NM_001191056.3, NM_001191059.4, NM_001322055.2 and 3 more transcripts); c.958G>T, p.Ala320Ser (NM_001191058.4, NM_001322058.2); c.1183G>T, p.Ala395Ser (NM_001322059.2); short protein forms A320S, A395S, A260S.
Identifiers: ClinVar variation 433528 (VCV000433528.1), dbSNP rs775633137, ClinGen allele CA4211105.

ClinVar aggregate classification (germline): Pathogenic/Likely pathogenic. Review status: no assertion criteria provided (0 of 4 stars). 2 submissions from 2 submitters: Pathogenic (1); Likely pathogenic (1). Last evaluated 2018-10-12.

Conditions:
Autosomal dominant nonsyndromic hearing loss. Also called: Rare autosomal dominant non-syndromic sensorineural deafness type DFNA. Identifiers: Orphanet 90635, MedGen C5779548, MONDO:0019587.
Hearing loss, autosomal dominant 74. Also called: DEAFNESS, AUTOSOMAL DOMINANT 74. Identifiers: MedGen C4748334, MONDO:0029137, OMIM 618140.

Allele frequency attached by ClinVar (database versions not stated): gnomAD exomes 0.00001 and 0.00005; TOPMed 0.00002; gnomAD 0.00003 and 0.00004; ExAC 0.00005.
gnomAD v4.1: 21 of 1,612,918 alleles (0.0013%); highest among the groups gnomAD compares: East Asian, 0.036%; no homozygotes.

Submissions (2):

OMIM
Classification: Pathogenic for DEAFNESS, AUTOSOMAL DOMINANT 74 (1 family). Last evaluated: 2018-10-12. Review status: no assertion criteria provided. Collection method: literature only. Allele origin: germline.

Dr. Liu's Molecular Genetics Laboratory, University of Miami Miller School of Medicine
Classification: Likely pathogenic for Autosomal dominant nonsyndromic hearing loss. Last evaluated: 2017-08-14. Review status: no assertion criteria provided. Collection method: research. Allele origin: inherited. Inheritance: Autosomal dominant inheritance. Affected: yes. Observed: 1 variant allele, 1 heterozygote.
Comment: The affected members show autosomal dominant progressive hearing loss.

Literature cited by the submitters: PubMed 29860631 (cited by OMIM).